The following is an entry in ClinVar:

NM_014141.6(CNTNAP2):c.3331C>T (p.Gln1111Ter)

Gene: CNTNAP2 (contactin associated protein 2; plus strand). Cytogenetic location: 7q36.1.
Variant type: single nucleotide variant.
Coding change: c.3331C>T on transcript NM_014141.6 (MANE Select); coding-DNA position 3331, C replaced by T.
Protein change: p.Gln1111Ter; replaces glutamine 1111 with a stop codon.
Molecular consequence: nonsense.
Genome position (GRCh38, 1-based): chr7:148,229,729, C>T. VCF-style: chr7-148229729-C-T. GRCh37 (hg19) VCF-style: chr7-147926821-C-T.
Other names: short protein forms Q1111*.
Identifiers: ClinVar variation 810206 (VCV000810206.52), dbSNP rs1159246607, ClinGen allele CA369929742.
Genomic context (GRCh38, chr7:148,229,729, plus strand): 5'-CTGGGTGGCACCCGAGAGCCATACAATATTGACGTAGACCACAGGAACATGGCCAATGGA[C>T]AGCCCCACAGTGTCAACATCACCCGCCACGAGAAGACCATCTTTCTCAAGGTATACATAC-3'

ClinVar aggregate classification (germline): Pathogenic/Likely pathogenic. Review status: criteria provided, multiple submitters, no conflicts (2 of 4 stars). 4 submissions from 4 submitters: Pathogenic (3); Likely pathogenic (1). Last evaluated 2025-01-02.

Conditions:
Inborn genetic diseases. Identifiers: MedGen C0950123, MeSH D030342.
Cortical dysplasia-focal epilepsy syndrome (PTHSL1). Also called: Pitt-Hopkins-like syndrome 1. Identifiers: Orphanet 163681, Orphanet 221150, MedGen C2750246, MONDO:0012400, OMIM 610042.

Allele frequency attached by ClinVar (database versions not stated): gnomAD exomes below 0.00001; TOPMed below 0.00001.
gnomAD v4.1: 6 of 1,614,102 alleles (0.00037%); highest among the groups gnomAD compares: Non-Finnish European, 0.00042%; no homozygotes.

Submissions (4):

Ambry Genetics
Classification: Pathogenic for Inborn genetic diseases. Last evaluated: 2025-01-02. Review status: criteria provided, single submitter. Criteria: Ambry Variant Classification Scheme 2023. Collection method: clinical testing. Allele origin: germline.
Comment: The c.3331C>T (p.Q1111*) alteration, located in exon 20 (coding exon 20) of the CNTNAP2 gene, consists of a C to T substitution at nucleotide position 3331. This changes the amino acid from a glutamine (Q) to a stop codon at amino acid position 1111. This alteration is expected to result in loss of function by premature protein truncation or nonsense-mediated mRNA decay. This variant was not reported in population-based cohorts in the Genome Aggregation Database (gnomAD). This variant has been identified in conjunction with other CNTNAP2 variants in an individual with features consistent with CNTNAP2-related Pitt-Hopkins-like syndrome (D'Onofrio, 2023). Based on the available evidence, this alteration is classified as pathogenic.

St. Anna Children's Cancer Research Institute (CCRI)
Classification: Pathogenic for Cortical dysplasia-focal epilepsy syndrome. Last evaluated: 2023-02-08. Review status: criteria provided, single submitter. Criteria: ACMG Guidelines, 2015. Collection method: research. Allele origin: paternal. Inheritance: Autosomal recessive inheritance. Affected: yes. Observed: 1 compound heterozygote.
Comment: Variant two AGMC classification: PVS1, PM2, PM3

Labcorp Genetics (formerly Invitae), Labcorp
Classification: Pathogenic for Cortical dysplasia-focal epilepsy syndrome. Last evaluated: 2022-11-16. Review status: criteria provided, single submitter. Criteria: Invitae Variant Classification Sherloc (09022015). Collection method: clinical testing. Allele origin: germline.
Comment: This sequence change creates a premature translational stop signal (p.Gln1111*) in the CNTNAP2 gene. It is expected to result in an absent or disrupted protein product. Loss-of-function variants in CNTNAP2 are known to be pathogenic (PMID: 19896112, 21827697, 25045150, 26843181, 27439707). This variant is not present in population databases (gnomAD no frequency). This variant has not been reported in the literature in individuals affected with CNTNAP2-related conditions. ClinVar contains an entry for this variant (Variation ID: 810206). For these reasons, this variant has been classified as Pathogenic.

CeGaT Center for Human Genetics Tuebingen
Classification: Likely pathogenic. Last evaluated: 2016-06-01. Review status: criteria provided, single submitter. Criteria: CeGaT Center For Human Genetics Tuebingen Variant Classification Criteria Version 2. Collection method: clinical testing. Allele origin: germline. Affected: yes. Observed: 1 variant allele.

Literature cited by the submitters: PubMed 37183190 (cited by Ambry Genetics); PubMed 19896112 (cited by Labcorp Genetics (formerly Invitae), Labcorp); PubMed 21827697 (cited by Labcorp Genetics (formerly Invitae), Labcorp); PubMed 25045150 (cited by Labcorp Genetics (formerly Invitae), Labcorp); PubMed 26843181 (cited by Labcorp Genetics (formerly Invitae), Labcorp); PubMed 27439707 (cited by Labcorp Genetics (formerly Invitae), Labcorp).